The following is an entry in ClinVar:

ClinVar aggregate classification (germline): Uncertain significance (1 of 4 stars; one submission).

Conditions:
Ataxia-telangiectasia syndrome (AT). Also called: Ataxia-telangiectasia; LOUIS-BAR SYNDROME; Ataxia-telangiectasia, complementation group D; AT, COMPLEMENTATION GROUP C; ATAXIA-TELANGIECTASIA, COMPLEMENTATION GROUP A; ATAXIA-TELANGIECTASIA, FRESNO VARIANT. Identifiers: Orphanet 100, MedGen C0004135, MONDO:0008840, OMIM 208900.

Submission:

Labcorp Genetics (formerly Invitae), Labcorp
Classification: Uncertain significance for Ataxia-telangiectasia syndrome. Last evaluated: 2023-06-27. Review status: criteria provided, single submitter. Criteria: Invitae Variant Classification Sherloc (09022015). Collection method: clinical testing. Allele origin: germline.
Comment: ClinVar contains an entry for this variant (Variation ID: 1351374). This variant has not been reported in the literature in individuals affected with ATM-related conditions. This variant is not present in population databases (gnomAD no frequency). This sequence change replaces aspartic acid, which is acidic and polar, with tyrosine, which is neutral and polar, at codon 2889 of the ATM protein (p.Asp2889Tyr). An algorithm developed to predict the effect of missense changes on protein structure and function (PolyPhen-2) suggests that this variant is likely to be disruptive. In summary, the available evidence is currently insufficient to determine the role of this variant in disease. Therefore, it has been classified as a Variant of Uncertain Significance.

NM_000051.4(ATM):c.8665G>T (p.Asp2889Tyr)

Genes: C11orf65 (chromosome 11 open reading frame 65; minus strand), ATM (ATM serine/threonine kinase; plus strand). Cytogenetic location: 11q22.3.
Variant type: single nucleotide variant.
Coding change: c.8665G>T on transcript NM_000051.4 (MANE Select); coding-DNA position 8665, G replaced by T.
Protein change: p.Asp2889Tyr; replaces aspartic acid 2889 with tyrosine.
Molecular consequence: missense variant. On other transcripts: intron variant (2).
Genome position (GRCh38, 1-based): chr11:108,347,359, G>T. VCF-style: chr11-108347359-G-T. GRCh37 (hg19) VCF-style: chr11-108218086-G-T.
Other names: c.8665G>T, p.Asp2889Tyr (NM_001351834.2); c.641-38288C>A (NM_001330368.2); c.695-12067C>A (NM_001351110.2); short protein forms D2889Y.
Identifiers: ClinVar variation 1351374 (VCV001351374.8), dbSNP rs587781814, ClinGen allele CA382521284.